The following is an entry in ClinVar:

NM_014141.6(CNTNAP2):c.936T>C (p.Tyr312=)

Gene: CNTNAP2 (contactin associated protein 2; plus strand). Cytogenetic location: 7q35.
Variant type: single nucleotide variant.
Coding change: c.936T>C on transcript NM_014141.6 (MANE Select); coding-DNA position 936, T replaced by C.
Protein change: p.Tyr312=; no amino-acid change (tyrosine 312 retained).
Molecular consequence: synonymous variant.
Genome position (GRCh38, 1-based): chr7:147,121,160, T>C. VCF-style: chr7-147121160-T-C. GRCh37 (hg19) VCF-style: chr7-146818252-T-C.
Identifiers: ClinVar variation 536332 (VCV000536332.37), dbSNP rs774997884, ClinGen allele CA4545919.

ClinVar aggregate classification (germline): Likely benign. Review status: criteria provided, multiple submitters, no conflicts (2 of 4 stars). 5 submissions from 5 submitters: Likely benign (5). Last evaluated 2024-10-17.

Conditions:
CNTNAP2-related disorder. Also called: CNTNAP2-related condition.
Cortical dysplasia-focal epilepsy syndrome (PTHSL1). Also called: Pitt-Hopkins-like syndrome 1. Identifiers: Orphanet 163681, Orphanet 221150, MedGen C2750246, MONDO:0012400, OMIM 610042.

Allele frequency attached by ClinVar (database versions not stated): gnomAD 0.00001; gnomAD exomes 0.00001 and 0.00002; TOPMed 0.00002; ExAC 0.00003.
gnomAD v4.1: 33 of 1,613,868 alleles (0.002%); highest among the groups gnomAD compares: Middle Eastern, 0.082%; 1 homozygote.

Submissions (5):

Labcorp Genetics (formerly Invitae), Labcorp
Classification: Likely benign for Cortical dysplasia-focal epilepsy syndrome. Last evaluated: 2024-10-17. Review status: criteria provided, single submitter. Criteria: Invitae Variant Classification Sherloc (09022015). Collection method: clinical testing. Allele origin: germline.

PreventionGenetics, part of Exact Sciences
Classification: Likely benign for CNTNAP2-related condition. Last evaluated: 2024-10-07. Review status: criteria provided, single submitter. Criteria: ACMG Guidelines, 2015. Collection method: clinical testing. Allele origin: germline.
Comment: This variant is classified as likely benign based on ACMG/AMP sequence variant interpretation guidelines (Richards et al. 2015 PMID: 25741868, with internal and published modifications).

Blueprint Genetics
Classification: Likely benign. Last evaluated: 2024-03-26. Review status: criteria provided, single submitter. Criteria: ACMG Guidelines, 2015. Collection method: clinical testing. Allele origin: germline.

CeGaT Center for Human Genetics Tuebingen
Classification: Likely benign. Last evaluated: 2024-01-01. Review status: criteria provided, single submitter. Criteria: CeGaT Center For Human Genetics Tuebingen Variant Classification Criteria Version 2. Collection method: clinical testing. Allele origin: germline. Affected: yes. Observed: 1 variant allele.
Comment: CNTNAP2: BP4, BP7

GeneDx
Classification: Likely benign. Last evaluated: 2018-06-05. Review status: criteria provided, single submitter. Criteria: GeneDx Variant Classification (06012015). Collection method: clinical testing. Allele origin: germline. Affected: yes.
Comment: This variant is considered likely benign or benign based on one or more of the following criteria: it is a conservative change, it occurs at a poorly conserved position in the protein, it is predicted to be benign by multiple in silico algorithms, and/or has population frequency not consistent with disease.